The following is an entry in ClinVar:

ClinVar aggregate classification (germline): Uncertain significance (1 of 4 stars; one submission).

Allele frequency attached by ClinVar (database versions not stated): gnomAD exomes below 0.00001 and 0.00001; gnomAD 0.00001.
gnomAD v4.1: 6 of 1,535,740 alleles (0.00039%); highest among the groups gnomAD compares: Admixed American, 0.0039%; no homozygotes.

Submission:

Labcorp Genetics (formerly Invitae), Labcorp
Classification: Uncertain significance. Last evaluated: 2025-07-07. Review status: criteria provided, single submitter. Criteria: Invitae Variant Classification Sherloc (09022015). Collection method: clinical testing. Allele origin: germline.
Comment: The C2CD3 gene has multiple clinically relevant transcripts. This variant occurs in alternate transcript NM_001286577.1, and corresponds to NM_015531.5:c.*1236G>C in the primary transcript. This sequence change replaces glutamine, which is neutral and polar, with histidine, which is basic and polar, at codon 2266 of the C2CD3 protein (p.Gln2266His). This variant is present in population databases (no rsID available, gnomAD 0.007%). This variant has not been reported in the literature in individuals affected with C2CD3-related conditions. Experimental studies and prediction algorithms are not available or were not evaluated, and the functional significance of this variant is currently unknown. In summary, the available evidence is currently insufficient to determine the role of this variant in disease. Therefore, it has been classified as a Variant of Uncertain Significance.

NM_001286577.2(C2CD3):c.6798G>C (p.Gln2266His)

Gene: C2CD3 (C2 domain containing 3 centriole elongation regulator; minus strand). Cytogenetic location: 11q13.4.
Variant type: single nucleotide variant.
Coding change: c.6798G>C on transcript NM_001286577.2 (MANE Select); coding-DNA position 6798, G replaced by C.
Protein change: p.Gln2266His; replaces glutamine 2266 with histidine.
Molecular consequence: missense variant.
Genome position (GRCh38, 1-based): chr11:74,033,362, C>G on the plus strand (G>C on the coding strand, the complement: C2CD3 is on the minus strand). VCF-style: chr11-74033362-C-G. GRCh37 (hg19) VCF-style: chr11-73744407-C-G.
Other names: short protein forms Q2266H.
Identifiers: ClinVar variation 1424830 (VCV001424830.6), dbSNP rs1254317820, ClinGen allele CA381819345.
Genomic context (GRCh38, chr11:74,033,362, plus strand): 5'-AGTCTAAGTACCTGCATCCAAACCACTTGTGGGAAATGCCAAAGGATACAGCAGGAGGCT[C>G]TGCTTTGTGGACGTCTCTGATCCAGTTGTCACCTGCCTCTGCCTGATGTCAGAGGAGTCG-3'
Protein context (NP_001273506.1, residues 2256-2276): VTTGSETSTK[Gln2266His]SLLLPGPIVV